The following is an entry in ClinVar:

ClinVar aggregate classification (germline): Likely benign. Review status: reviewed by expert panel (3 of 4 stars). 3 submissions from 3 submitters: Likely benign (1). 2 of the submissions do not count toward it. Last evaluated 2017-06-29.

Conditions:
Hereditary cancer-predisposing syndrome. Also called: Tumor predisposition; Hereditary Cancer Syndrome; Hereditary neoplastic syndrome; Neoplastic Syndromes, Hereditary. Identifiers: Orphanet 140162, MedGen C0027672, MeSH D009386, MONDO:0015356.
Hereditary breast ovarian cancer syndrome. Also called: Breast and ovarian cancer; Hereditary breast and ovarian cancer syndrome; Hereditary breast and ovarian cancer; BRCA1- and BRCA2-Associated Hereditary Breast and Ovarian Cancer; Hereditary breast and ovarian cancer syndrome (HBOC); Hereditary breast and/or ovarian cancer syndrome. Identifiers: Orphanet 145, MedGen C0677776, MeSH D061325, MONDO:0003582. Disease mechanism: loss of function.
Breast-ovarian cancer, familial, susceptibility to, 2 (BROVCA2). Also called: BRCA2 Hereditary Breast and Ovarian Cancer. Identifiers: Orphanet 145, MedGen C2675520, MONDO:0012933, OMIM 612555. Disease mechanism: loss of function.

Allele frequency attached by ClinVar (database versions not stated): gnomAD exomes below 0.00001.
gnomAD v4.1: 2 of 1,614,054 alleles (0.00012%); highest among the groups gnomAD compares: Middle Eastern, 0.017%; no homozygotes.

Submissions (3):

Evidence-based Network for the Interpretation of Germline Mutant Alleles (ENIGMA)
Classification: Likely benign for Breast-ovarian cancer, familial, susceptibility to, 2. Last evaluated: 2017-06-29. Review status: reviewed by expert panel. Criteria: ENIGMA BRCA1/2 Classification Criteria (2017-06-29). Collection method: curation. Allele origin: germline.
Comment: Synonymous substitution variant, with low bioinformatic likelihood to result in a splicing aberration (Splicing prior probability 0.02).

Labcorp Genetics (formerly Invitae), Labcorp
Classification: Likely benign for Hereditary breast ovarian cancer syndrome. Last evaluated: 2024-03-06. Review status: criteria provided, single submitter. Criteria: Invitae Variant Classification Sherloc (09022015). Collection method: clinical testing. Allele origin: germline. Not counted in ClinVar's aggregate classification.

Ambry Genetics
Classification: Likely benign for Hereditary cancer-predisposing syndrome. Last evaluated: 2014-07-16. Review status: criteria provided, single submitter. Criteria: Ambry Variant Classification Scheme 2023. Collection method: clinical testing. Allele origin: germline. Not counted in ClinVar's aggregate classification.

NM_000059.4(BRCA2):c.2286T>C (p.Asp762=)

Gene: BRCA2 (BRCA2 DNA repair associated; plus strand). Cytogenetic location: 13q13.1.
Variant type: single nucleotide variant.
Coding change: c.2286T>C on transcript NM_000059.4 (MANE Select); coding-DNA position 2286, T replaced by C.
Protein change: p.Asp762=; no amino-acid change (aspartic acid 762 retained).
Molecular consequence: synonymous variant.
Genome position (GRCh38, 1-based): chr13:32,336,641, T>C. VCF-style: chr13-32336641-T-C. GRCh37 (hg19) VCF-style: chr13-32910778-T-C.
Identifiers: ClinVar variation 185503 (VCV000185503.15), dbSNP rs786202227, ClinGen allele CA014873.
Genomic context (GRCh38, chr13:32,336,641, plus strand): 5'-ACATTCAAAAGTGGAATACAGTGATACTGACTTTCAATCCCAGAAAAGTCTTTTATATGA[T>C]CATGAAAATGCCAGCACTCTTATTTTAACTCCTACTTCCAAGGATGTTCTGTCAAACCTA-3'
Protein context (NP_000050.3, residues 752-772): DFQSQKSLLY[Asp762=]HENASTLILT